The following is an entry in ClinVar:

ClinVar aggregate classification (germline): Uncertain significance (1 of 4 stars; one submission).

Conditions:
Sialuria. Also called: SIALURIA, FRENCH TYPE; Sialic Acid Storage Disease. Identifiers: Orphanet 3166, MedGen C0342853, MONDO:0010028, OMIM 269921.
GNE myopathy (NM). Also called: INCLUSION BODY MYOPATHY, HEREDITARY, AUTOSOMAL RECESSIVE; NONAKA DISTAL MYOPATHY; MYOPATHY, DISTAL, WITH OR WITHOUT RIMMED VACUOLES; INCLUSION BODY MYOPATHY 2, AUTOSOMAL RECESSIVE; IBM 2; Inclusion body myopathy autosomal recessive. Identifiers: Orphanet 602, MedGen C1853926, MONDO:0011603, OMIM 605820.

Allele frequency attached by ClinVar (database versions not stated): gnomAD exomes below 0.00001; ExAC 0.00002.
gnomAD v4.1: 5 of 1,614,176 alleles (0.00031%); highest among the groups gnomAD compares: Admixed American, 0.0067%; no homozygotes.

Submission:

Labcorp Genetics (formerly Invitae), Labcorp
Classification: Uncertain significance for Sialuria; GNE myopathy. Last evaluated: 2024-10-02. Review status: criteria provided, single submitter. Criteria: Invitae Variant Classification Sherloc (09022015). Collection method: clinical testing. Allele origin: germline.
Comment: This sequence change replaces aspartic acid, which is acidic and polar, with histidine, which is basic and polar, at codon 609 of the GNE protein (p.Asp609His). This variant is present in population databases (rs778579770, gnomAD 0.01%). This variant has not been reported in the literature in individuals affected with GNE-related conditions. ClinVar contains an entry for this variant (Variation ID: 2177042). Invitae Evidence Modeling of protein sequence and biophysical properties (such as structural, functional, and spatial information, amino acid conservation, physicochemical variation, residue mobility, and thermodynamic stability) has been performed for this missense variant. However, the output from this modeling did not meet the statistical confidence thresholds required to predict the impact of this variant on GNE protein function. In summary, the available evidence is currently insufficient to determine the role of this variant in disease. Therefore, it has been classified as a Variant of Uncertain Significance.

NM_005476.7(GNE):c.1732G>C (p.Asp578His)

Gene: GNE (glucosamine (UDP-N-acetyl)-2-epimerase/N-acetylmannosamine kinase; minus strand). Cytogenetic location: 9p13.3.
Variant type: single nucleotide variant.
Coding change: c.1732G>C on transcript NM_005476.7 (MANE Select); coding-DNA position 1732, G replaced by C.
Protein change: p.Asp578His; replaces aspartic acid 578 with histidine.
Molecular consequence: missense variant.
Genome position (GRCh38, 1-based): chr9:36,219,922, C>G on the plus strand (G>C on the coding strand, the complement: GNE is on the minus strand). VCF-style: chr9-36219922-C-G. GRCh37 (hg19) VCF-style: chr9-36219919-C-G.
Other names: c.1825G>C, p.Asp609His (NM_001128227.3); c.1510G>C, p.Asp504His (NM_001190383.3); c.1402G>C, p.Asp468His (NM_001190384.3); c.1555G>C, p.Asp519His (NM_001190388.2, NM_001374798.1); c.1579G>C, p.Asp527His (NM_001374797.1); short protein forms D468H, D519H, D578H, D504H, D609H, D527H.
Identifiers: ClinVar variation 2177042 (VCV002177042.3), dbSNP rs778579770, ClinGen allele CA5056432.